The following is an entry in ClinVar:

ClinVar aggregate classification (germline): Pathogenic/Likely pathogenic. Review status: criteria provided, multiple submitters, no conflicts (2 of 4 stars). 3 submissions from 3 submitters: Pathogenic (2); Likely pathogenic (1). Last evaluated 2024-08-07.

Conditions:
Congenital disorder of deglycosylation 1. Also called: NGLY1-deficiency; NGLY1-Related Congenital Disorder of Deglycosylation. Identifiers: Orphanet 404454, MedGen CN306977, MONDO:0800044, OMIM 615273.
Congenital disorder of deglycosylation (CDDG). Identifiers: MedGen C3808991, MONDO:0031376.

Submissions (3):

Labcorp Genetics (formerly Invitae), Labcorp
Classification: Pathogenic for Congenital disorder of deglycosylation. Last evaluated: 2024-08-07. Review status: criteria provided, single submitter. Criteria: Invitae Variant Classification Sherloc (09022015). Collection method: clinical testing. Allele origin: germline.
Comment: This sequence change creates a premature translational stop signal (p.Thr575Glnfs*8) in the NGLY1 gene. While this is not anticipated to result in nonsense mediated decay, it is expected to disrupt the last 80 amino acid(s) of the NGLY1 protein. This variant is not present in population databases (gnomAD no frequency). This variant has not been reported in the literature in individuals affected with NGLY1-related conditions. ClinVar contains an entry for this variant (Variation ID: 1451269). Algorithms developed to predict the effect of sequence changes on RNA splicing suggest that this variant may disrupt the consensus splice site. This variant disrupts a region of the NGLY1 protein in which other variant(s) (p.Gln631Serfs*7) have been determined to be pathogenic (PMID: 24651605, 25900930, 30740912). This suggests that this is a clinically significant region of the protein, and that variants that disrupt it are likely to be disease-causing. For these reasons, this variant has been classified as Pathogenic.

Fulgent Genetics
Classification: Likely pathogenic for Congenital disorder of deglycosylation 1. Last evaluated: 2024-03-29. Review status: criteria provided, single submitter. Criteria: ACMG Guidelines, 2015. Collection method: clinical testing. Allele origin: germline.

Women's Health and Genetics/Laboratory Corporation of America, LabCorp
Classification: Pathogenic for Congenital disorder of deglycosylation. Last evaluated: 2024-01-11. Review status: criteria provided, single submitter. Criteria: LabCorp Variant Classification Summary - May 2015. Collection method: clinical testing. Allele origin: germline.
Comment: Variant summary: NGLY1 c.1722_1723insCA (p.Thr575GlnfsX8) results in a premature termination codon, predicted to cause a truncation of the encoded protein. Variants downstream have been classified as pathogenic by our lab. The variant was absent in 251226 control chromosomes. To our knowledge, no occurrence of c.1722_1723insCA in individuals affected with Congenital Disorder Of Deglycosylation and no experimental evidence demonstrating its impact on protein function have been reported. ClinVar contains an entry for this variant (Variation ID: 1451269). Based on the evidence outlined above, the variant was classified as pathogenic.

Literature cited by the submitters: PubMed 24651605 (cited by Labcorp Genetics (formerly Invitae), Labcorp); PubMed 25900930 (cited by Labcorp Genetics (formerly Invitae), Labcorp); PubMed 30740912 (cited by Labcorp Genetics (formerly Invitae), Labcorp).

NM_018297.4(NGLY1):c.1722_1723insCA (p.Thr575fs)

Gene: NGLY1 (N-glycanase 1; minus strand). Cytogenetic location: 3p24.2.
Variant type: Insertion.
Coding change: c.1722_1723insCA on transcript NM_018297.4 (MANE Select); coding-DNA positions 1722 to 1723, CA inserted.
Protein change: p.Thr575fs; shifts the reading frame from threonine 575.
Molecular consequence: frameshift variant. On other transcripts: intron variant (1).
Genome position: GRCh38 VCF-style: chr3-25720080-T-TTG. GRCh37 (hg19) VCF-style: chr3-25761571-T-TTG.
Other names: c.1668_1669insCA, p.Thr557fs (NM_001145293.2); c.1596_1597insCA, p.Thr533fs (NM_001145294.2); c.1612-446_1612-445insAC (NM_001145295.2); short protein forms T533fs, T575fs, T557fs.
Identifiers: ClinVar variation 1451269 (VCV001451269.9), dbSNP rs2125442902, ClinGen allele CA2573136251.
Genomic context (GRCh38, chr3:25,720,080, plus strand): 5'-TCAGTTCTACTTGTGCTGTATCAGATCGCAATTTCCATTCTACTGTTCCAGTCTGAAAAG[T>TTG]TTGACTACTTGTTCTAATAGAAATGCTATCTACTTTTAGGCCAACTGACCCACACTCAAA-3'